The following is an entry in ClinVar:

NM_030962.4(SBF2):c.1861-62C>G

Genes: SBF2 (SET binding factor 2; minus strand), LOC101928008 (uncharacterized LOC101928008; plus strand). Cytogenetic location: 11p15.4.
Variant type: single nucleotide variant.
Coding change: c.1861-62C>G on transcript NM_030962.4 (MANE Select); 62 bases into the intron before coding-DNA position 1861, C replaced by G.
Molecular consequence: intron variant.
Genome position (GRCh38, 1-based): chr11:9,896,073, G>C on the plus strand (C>G on the coding strand, the complement: SBF2 is on the minus strand). VCF-style: chr11-9896073-G-C. GRCh37 (hg19) VCF-style: chr11-9917620-G-C.
Other names: c.1732-62C>G (NM_001386342.1); c.1861-62C>G (NM_001386339.1).
Identifiers: ClinVar variation 673450 (VCV000673450.2), dbSNP rs4910073, ClinGen allele CA13409342.
Genomic context (GRCh38, chr11:9,896,073, plus strand): 5'-TTTAAGCAAAACAAAGACAAAAGAGCATTAGGATATTTACCAGAAATCACAAATACATGC[G>C]AACTAACATCTGGGATACACTGTTTACTGTCCTATGGGGTTTTTACCTTTTTATTTTGCA-3'

ClinVar aggregate classification (germline): Benign. Review status: criteria provided, multiple submitters, no conflicts (2 of 4 stars). 2 submissions from 2 submitters: Benign (2). Last evaluated 2018-06-19.

Allele frequency attached by ClinVar (database versions not stated): gnomAD 0.35904 and 0.36346; ESP Exome Variant Server 0.35940; 1000 Genomes Project 0.36382; 1000 Genomes Project 30x 0.36805; TOPMed 0.36876.
gnomAD v4.1: 391,135 of 1,257,900 alleles (31%); highest among the groups gnomAD compares: African/African-American, 49%; 63,831 homozygotes.

Submissions (2):

GeneDx
Classification: Benign. Last evaluated: 2018-06-19. Review status: criteria provided, single submitter. Criteria: GeneDx Variant Classification (06012015). Collection method: clinical testing. Allele origin: germline. Affected: yes.
Comment: This variant is considered likely benign or benign based on one or more of the following criteria: it is a conservative change, it occurs at a poorly conserved position in the protein, it is predicted to be benign by multiple in silico algorithms, and/or has population frequency not consistent with disease.

Breakthrough Genomics
Classification: Benign. Review status: criteria provided, single submitter. Criteria: ACMG Guidelines, 2015. Collection method: not provided. Allele origin: germline. Inheritance: Autosomal recessive inheritance. Affected: yes.